The following is an entry in ClinVar:

ClinVar aggregate classification (germline): Conflicting classifications of pathogenicity. Review status: criteria provided, conflicting classifications (1 of 4 stars). 2 submissions from 2 submitters: Likely pathogenic (1); Uncertain significance (1). Last evaluated 2024-12-24.

Conditions:
Dimethylglycine dehydrogenase deficiency (DMGDHD). Also called: DMGDH DEFICIENCY. Identifiers: Orphanet 243343, MedGen C1853892, MONDO:0011610, OMIM 605850.

Submissions (2):

Ambry Genetics
Classification: Uncertain significance. Last evaluated: 2024-12-24. Review status: criteria provided, single submitter. Criteria: Ambry Variant Classification Scheme 2023. Collection method: clinical testing. Allele origin: germline.

Faculty of Engineering and Natural Sciences, Biruni University
Classification: Likely pathogenic for Dimethylglycine dehydrogenase deficiency. Last evaluated: 2023-02-09. Review status: criteria provided, single submitter. Criteria: ACMG Guidelines, 2015. Collection method: clinical testing. Allele origin: germline. Affected: yes. Observed: 1 variant allele.
Comment: The c.236T>G change in the DMGDH gene (NM_013391) causes a missense change at position 79 of the protein. For a missense or a splicing region variant, computational prediction tools unanimously support a deleterious effect on the gene(PP3). There are no reports of this change in the gnomAD database, indicating that it is very low as a population frequency(PM2). Consequently, this change is thought to be a disease-causing change.

Literature cited by the submitters: PubMed 28881522 (cited by Faculty of Engineering and Natural Sciences, Biruni University); DOI 10.1007/978-3-662-63123-2_31 (cited by Faculty of Engineering and Natural Sciences, Biruni University); DOI doi.org/10.1016/j.biochi.2020.02.005. (cited by Faculty of Engineering and Natural Sciences, Biruni University).

NM_013391.3(DMGDH):c.236T>G (p.Leu79Arg)

Gene: DMGDH (dimethylglycine dehydrogenase; minus strand). Cytogenetic location: 5q14.1.
Variant type: single nucleotide variant.
Coding change: c.236T>G on transcript NM_013391.3 (MANE Select); coding-DNA position 236, T replaced by G.
Protein change: p.Leu79Arg; replaces leucine 79 with arginine.
Molecular consequence: missense variant. On other transcripts: non-coding transcript variant (2).
Genome position (GRCh38, 1-based): chr5:79,063,653, A>C on the plus strand (T>G on the coding strand, the complement: DMGDH is on the minus strand). VCF-style: chr5-79063653-A-C. GRCh37 (hg19) VCF-style: chr5-78359476-A-C.
Other names: c.236T>G (NM_013391.2); short protein forms L79R.
Identifiers: ClinVar variation 3341080 (VCV003341080.3).